The following is an entry in ClinVar:

NM_001376256.1(CRYM):c.171-99G>A

Gene: CRYM (crystallin mu; minus strand). Cytogenetic location: 16p12.2.
Variant type: single nucleotide variant.
Coding change: c.171-99G>A on transcript NM_001376256.1 (MANE Select); 99 bases into the intron before coding-DNA position 171, G replaced by A.
Molecular consequence: intron variant.
Genome position (GRCh38, 1-based): chr16:21,277,683, C>T on the plus strand (G>A on the coding strand, the complement: CRYM is on the minus strand). VCF-style: chr16-21277683-C-T. GRCh37 (hg19) VCF-style: chr16-21289004-C-T.
Other names: c.171-99G>A (NM_001888.5).
Identifiers: ClinVar variation 682990 (VCV000682990.2), dbSNP rs72782846, ClinGen allele CA14243126.
Genomic context (GRCh38, chr16:21,277,683, plus strand): 5'-CAATGCTGGGGTCTCTTAGAAAGTATCCATATACTTTCCTTTTTCTTTCCTTCCTCACCA[C>T]CCCACTGGCCCTCTTCCAGCCCCCGCATCCCTCTGCCCTTCCCTTAGACACTATGCACAG-3'

ClinVar aggregate classification (germline): Benign. Review status: criteria provided, multiple submitters, no conflicts (2 of 4 stars). 2 submissions from 2 submitters: Benign (2). Last evaluated 2018-06-13.

Allele frequency attached by ClinVar (database versions not stated): 1000 Genomes Project 30x 0.01718; 1000 Genomes Project 0.01737; TOPMed 0.02418; gnomAD 0.02997 and 0.03034; gnomAD exomes 0.03774.
gnomAD v4.1: 48,162 of 1,314,604 alleles (3.7%); highest among the groups gnomAD compares: Non-Finnish European, 4.1%; 1,015 homozygotes.

Submissions (2):

GeneDx
Classification: Benign. Last evaluated: 2018-06-13. Review status: criteria provided, single submitter. Criteria: GeneDx Variant Classification (06012015). Collection method: clinical testing. Allele origin: germline. Affected: yes.
Comment: This variant is considered likely benign or benign based on one or more of the following criteria: it is a conservative change, it occurs at a poorly conserved position in the protein, it is predicted to be benign by multiple in silico algorithms, and/or has population frequency not consistent with disease.

Breakthrough Genomics
Classification: Benign. Review status: criteria provided, single submitter. Criteria: ACMG Guidelines, 2015. Collection method: not provided. Allele origin: germline. Inheritance: Autosomal dominant inheritance. Affected: yes.